The following is an entry in ClinVar:

ClinVar aggregate classification (germline): Uncertain significance (1 of 4 stars; one submission).

Conditions:
Neuropathy, hereditary sensory and autonomic, type 2A (HSAN2A). Also called: HSAN IIA; ACROOSTEOLYSIS, GIACCAI TYPE; ACROOSTEOLYSIS, NEUROGENIC; MORVAN DISEASE; NEUROPATHY, CONGENITAL SENSORY; NEUROPATHY, HEREDITARY SENSORY RADICULAR, AUTOSOMAL RECESSIVE. Identifiers: Orphanet 970, MedGen C2752089, MONDO:0024309, OMIM 201300.
Generalized epilepsy with febrile seizures plus, type 7 (GEFSP7). Also called: GEFS+, TYPE 7. Identifiers: Orphanet 36387, MedGen C2751778, MONDO:0013470, OMIM 613863.

Allele frequency attached by ClinVar (database versions not stated): gnomAD 0.00001.
gnomAD v4.1: 1 of 1,610,842 alleles (0.000062%); highest among the groups gnomAD compares: East Asian, 0.0022%; no homozygotes.

Submission:

Labcorp Genetics (formerly Invitae), Labcorp
Classification: Uncertain significance for Neuropathy, hereditary sensory and autonomic, type 2A; Generalized epilepsy with febrile seizures plus, type 7. Last evaluated: 2020-01-16. Review status: criteria provided, single submitter. Criteria: Invitae Variant Classification Sherloc (09022015). Collection method: clinical testing. Allele origin: germline.
Comment: In summary, the available evidence is currently insufficient to determine the role of this variant in disease. Therefore, it has been classified as a Variant of Uncertain Significance. Algorithms developed to predict the effect of missense changes on protein structure and function output the following: SIFT: "Tolerated"; PolyPhen-2: "Benign"; Align-GVGD: "Class C0". The valine amino acid residue is found in multiple mammalian species, suggesting that this missense change does not adversely affect protein function. These predictions have not been confirmed by published functional studies and their clinical significance is uncertain. This variant has not been reported in the literature in individuals with SCN9A-related conditions. This variant is not present in population databases (ExAC no frequency). This sequence change replaces phenylalanine with valine at codon 317 of the SCN9A protein (p.Phe317Val). The phenylalanine residue is moderately conserved and there is a small physicochemical difference between phenylalanine and valine.

NM_001365536.1(SCN9A):c.949T>G (p.Phe317Val)

Genes: SCN1A-AS1 (SCN1A and SCN9A antisense RNA 1; plus strand), SCN9A (sodium voltage-gated channel alpha subunit 9; minus strand). Cytogenetic location: 2q24.3.
Variant type: single nucleotide variant.
Coding change: c.949T>G on transcript NM_001365536.1 (MANE Select); coding-DNA position 949, T replaced by G.
Protein change: p.Phe317Val; replaces phenylalanine 317 with valine.
Molecular consequence: missense variant. On other transcripts: non-coding transcript variant (1).
Genome position (GRCh38, 1-based): chr2:166,294,615, A>C on the plus strand (T>G on the coding strand, the complement: SCN9A is on the minus strand). VCF-style: chr2-166294615-A-C. GRCh37 (hg19) VCF-style: chr2-167151125-A-C.
Other names: c.949T>G, p.Phe317Val (NM_002977.4); short protein forms F317V.
Identifiers: ClinVar variation 1051173 (VCV001051173.9), dbSNP rs1291278916, ClinGen allele CA349089664.
Genomic context (GRCh38, chr2:166,294,615, plus strand): 5'-TCTCTTTCAGCCTTTAGACTAAAAAGAAAACAAATATTACATACCCTGAATCTGTGCTGA[A>C]ACCACAAAGGAGAGCATCTTTGGATCCTTCCAAGTAATAAAAATATTCTGTTGAAGAAGA-3'
Protein context (NP_001352465.1, residues 307-327): EGSKDALLCG[Phe317Val]STDSGQCPEG